The following is an entry in ClinVar:

ClinVar aggregate classification (germline): Conflicting classifications of pathogenicity. Review status: criteria provided, conflicting classifications (1 of 4 stars). 3 submissions from 3 submitters: Uncertain significance (2); Likely benign (1). Last evaluated 2026-03-26.

Conditions:
KBG syndrome (KBGS). Also called: ANKRD11-Related KBG Syndrome. Identifiers: Orphanet 2332, MedGen C0220687, MONDO:0007846, OMIM 148050.

Submissions (3):

GeneDx
Classification: Uncertain significance. Last evaluated: 2026-03-26. Review status: criteria provided, single submitter. Criteria: GeneDx Variant Classification Process June 2021. Collection method: clinical testing. Allele origin: germline.
Comment: Not observed at significant frequency in large population cohorts (gnomAD); In silico analysis suggests that this missense variant does not alter protein structure/function; Has not been previously published as pathogenic or benign to our knowledge

3billion
Classification: Likely benign for KBG syndrome. Last evaluated: 2024-09-20. Review status: criteria provided, single submitter. Criteria: ACMG Guidelines, 2015. Collection method: clinical testing. Allele origin: germline. Affected: no.
Comment: The variant was identified in at least one patient who was diagnosed with a different variant in another gene and showed no symptoms related to the gene containing the variant in question.

CeGaT Center for Human Genetics Tuebingen
Classification: Uncertain significance. Last evaluated: 2023-12-01. Review status: criteria provided, single submitter. Criteria: CeGaT Center For Human Genetics Tuebingen Variant Classification Criteria Version 2. Collection method: clinical testing. Allele origin: germline. Affected: yes. Observed: 1 variant allele.
Comment: ANKRD11: PM2, BP4

NM_013275.6(ANKRD11):c.5606C>G (p.Pro1869Arg)

Gene: ANKRD11 (ankyrin repeat domain 11; minus strand). Cytogenetic location: 16q24.3.
Variant type: single nucleotide variant.
Coding change: c.5606C>G on transcript NM_013275.6 (MANE Select); coding-DNA position 5606, C replaced by G.
Protein change: p.Pro1869Arg; replaces proline 1869 with arginine.
Molecular consequence: missense variant.
Genome position (GRCh38, 1-based): chr16:89,280,936, G>C on the plus strand (C>G on the coding strand, the complement: ANKRD11 is on the minus strand). VCF-style: chr16-89280936-G-C. GRCh37 (hg19) VCF-style: chr16-89347344-G-C.
Other names: c.5606C>G, p.Pro1869Arg (NM_001256182.2, NM_001256183.2); c.5606C>G (NM_013275.5); short protein forms P1869R.
Identifiers: ClinVar variation 3026674 (VCV003026674.23), dbSNP rs1486454956, ClinGen allele CA397153506.